The following is an entry in ClinVar:

NM_006351.4(TIMM44):c.1307C>T (p.Ala436Val)

Gene: TIMM44 (translocase of inner mitochondrial membrane 44; minus strand). Cytogenetic location: 19p13.2.
Variant type: single nucleotide variant.
Coding change: c.1307C>T on transcript NM_006351.4 (MANE Select); coding-DNA position 1307, C replaced by T.
Protein change: p.Ala436Val; replaces alanine 436 with valine.
Molecular consequence: missense variant.
Genome position (GRCh38, 1-based): chr19:7,927,239, G>A on the plus strand (C>T on the coding strand, the complement: TIMM44 is on the minus strand). VCF-style: chr19-7927239-G-A. GRCh37 (hg19) VCF-style: chr19-7992124-G-A.
Other names: short protein forms A436V.
Identifiers: ClinVar variation 215256 (VCV000215256.2), dbSNP rs143337629, ClinGen allele CA325062.
Genomic context (GRCh38, chr19:7,927,239, plus strand): 5'-CACCACACTCAGAGAATCTGCTCGGTGCTGGAGGCCGAGATGTCCAGGAGCCGCCAGGCC[G>A]CGTAGGGGTTGAGCTCGTCCTGGTCTCGGCAGAGCGCCCACACGTACAGCATCCGCAGCA-3'
Protein context (NP_006342.2, residues 426-446): CRDQDELNPY[Ala436Val]AWRLLDISAS

ClinVar aggregate classification (germline): Uncertain significance (1 of 4 stars; one submission).

Allele frequency attached by ClinVar (database versions not stated): ExAC 0.00001; gnomAD 0.00002; gnomAD exomes 0.00002 and 0.00003; TOPMed 0.00003; ESP Exome Variant Server 0.00008.
gnomAD v4.1: 34 of 1,612,304 alleles (0.0021%); highest among the groups gnomAD compares: Non-Finnish European, 0.0025%; no homozygotes.

Submission:

GeneDx
Classification: Uncertain significance. Last evaluated: 2016-08-29. Review status: criteria provided, single submitter. Criteria: GeneDx Variant Classification (06012015). Collection method: clinical testing. Allele origin: germline. Affected: yes.
Comment: p.Ala436Val (GCG>GTG): c.1307 C>T in exon 13 of the TIMM44 gene (NM_006351.3). The A436V variant has not been published as a mutation, nor has it been reported as a benign polymorphism to our knowledge. The A436V variant is a conservative amino acid substitution, which is not likely to impact secondary protein structure as these residues share similar properties. This substitution occurs at a position that is conserved in mammals. In silico analysis predicts this variant is probably damaging to the protein structure/function. Therefore, based on the currently available information, it is unclear whether this variant is a pathogenic mutation or a rare benign variant. The variant is found in MITONUC-MITOP panel(s).